The following is an entry in ClinVar:

ClinVar aggregate classification (germline): Uncertain significance (1 of 4 stars; one submission).

Conditions:
Birt-Hogg-Dube syndrome. Also called: Birt Hogg Dubé syndrome. Identifiers: Orphanet 122, MedGen C0346010, MONDO:0800444.

Allele frequency attached by ClinVar (database versions not stated): gnomAD exomes 0.00001.

Submission:

Labcorp Genetics (formerly Invitae), Labcorp
Classification: Uncertain significance for Birt-Hogg-Dube syndrome. Last evaluated: 2022-02-02. Review status: criteria provided, single submitter. Criteria: Invitae Variant Classification Sherloc (09022015). Collection method: clinical testing. Allele origin: germline.
Comment: In summary, the available evidence is currently insufficient to determine the role of this variant in disease. Therefore, it has been classified as a Variant of Uncertain Significance. Algorithms developed to predict the effect of missense changes on protein structure and function (SIFT, PolyPhen-2, Align-GVGD) all suggest that this variant is likely to be disruptive. This variant has not been reported in the literature in individuals affected with FLCN-related conditions. This variant is not present in population databases (gnomAD no frequency). This sequence change replaces lysine, which is basic and polar, with glutamic acid, which is acidic and polar, at codon 514 of the FLCN protein (p.Lys514Glu).

NM_144997.7(FLCN):c.1540A>G (p.Lys514Glu)

Gene: FLCN (folliculin; minus strand). Cytogenetic location: 17p11.2.
Variant type: single nucleotide variant.
Coding change: c.1540A>G on transcript NM_144997.7 (MANE Select); coding-DNA position 1540, A replaced by G.
Protein change: p.Lys514Glu; replaces lysine 514 with glutamic acid.
Molecular consequence: missense variant.
Genome position (GRCh38, 1-based): chr17:17,213,855, T>C on the plus strand (A>G on the coding strand, the complement: FLCN is on the minus strand). VCF-style: chr17-17213855-T-C. GRCh37 (hg19) VCF-style: chr17-17117169-T-C.
Other names: c.1594A>G, p.Lys532Glu (NM_001353229.2); c.1540A>G, p.Lys514Glu (NM_001353230.2, NM_001353231.2); short protein forms K514E, K532E.
Identifiers: ClinVar variation 2091951 (VCV002091951.4), dbSNP rs886041478, ClinGen allele CA398530537.